The following is an entry in ClinVar:

ClinVar aggregate classification (germline): Likely benign (1 of 4 stars; one submission).

Conditions:
Retinoblastoma (RB1). Also called: RETINOBLASTOMA, SOMATIC. Identifiers: Orphanet 790, MedGen C0035335, MeSH D012175, MONDO:0008380, OMIM 180200, HP:0009919. Disease mechanism: loss of function. Inheritance: Both sporadic and heritable forms are tested..

Submission:

All of Us Research Program, National Institutes of Health
Classification: Likely benign for Retinoblastoma. Last evaluated: 2023-08-15. Review status: criteria provided, single submitter. Criteria: ACMG Guidelines, 2015. Collection method: clinical testing. Allele origin: germline. Inheritance: Autosomal dominant inheritance. Observed: 1 variant allele, 1 heterozygote.
Comment: This study involves interpretation of variants in research participants for the purpose of population health screening. Participant phenotype was not available at the time of variant classification. Additional details can be found in publication PMID: 35346344, PMCID: PMC8962531

NM_000321.3(RB1):c.1422-13T>C

Gene: RB1 (RB transcriptional corepressor 1; plus strand). Cytogenetic location: 13q14.2.
Variant type: single nucleotide variant.
Coding change: c.1422-13T>C on transcript NM_000321.3 (MANE Select); 13 bases into the intron before coding-DNA position 1422, T replaced by C.
Molecular consequence: intron variant.
Genome position (GRCh38, 1-based): chr13:48,380,152, T>C. VCF-style: chr13-48380152-T-C. GRCh37 (hg19) VCF-style: chr13-48954288-T-C.
Other names: c.1422-13T>C (NM_001407165.1, NM_001407166.1).
Identifiers: ClinVar variation 3072955 (VCV003072955.1), dbSNP rs2542204434, ClinGen allele CA2575413508.